The following is an entry in ClinVar:

ClinVar aggregate classification (germline): Likely pathogenic (1 of 4 stars; one submission).

Conditions:
Hydrocephalus, nonsyndromic, autosomal recessive 1 (HYC1). Also called: Hydrocephalus, nonsyndromic, autosomal recessive; Congenital hydrocephalus 1. Identifiers: Orphanet 2185, MedGen C3887608, MONDO:0009360, OMIM 236600.

Submission:

Myriad Genetics, Inc.
Classification: Likely pathogenic for Hydrocephalus, nonsyndromic, autosomal recessive 1. Last evaluated: 2026-02-11. Review status: criteria provided, single submitter. Criteria: Myriad Autosomal Dominant, Autosomal Recessive and X-Linked Classification Criteria (2023). Collection method: clinical testing. Allele origin: unknown.
Comment: NM_001080414.3(CCDC88C):c.2737-2A>G is a variant in a canonical splice site classified as likely pathogenic in the context of congenital hydrocephalus, CCDC88C-related. c.2737-2A>G has not been observed in cases with relevant disease. Relevant functional assessments of this variant are not available in the literature. c.2737-2A>G has not been observed in referenced population frequency databases. In summary, NM_001080414.3(CCDC88C):c.2737-2A>G is a variant in a canonical splice site in a gene where loss of function is a known mechanism of disease and is predicted to disrupt protein function. Please note: this variant was assessed in the context of healthy population screening.

NM_001080414.4(CCDC88C):c.2737-2A>G

Gene: CCDC88C (coiled-coil and HOOK domain protein 88C; minus strand). Cytogenetic location: 14q32.11.
Variant type: single nucleotide variant.
Coding change: c.2737-2A>G on transcript NM_001080414.4 (MANE Select); the canonical splice acceptor site of the intron before coding-DNA position 2737, A replaced by G.
Molecular consequence: splice acceptor variant.
Genome position (GRCh38, 1-based): chr14:91,309,988, T>C on the plus strand (A>G on the coding strand, the complement: CCDC88C is on the minus strand). VCF-style: chr14-91309988-T-C. GRCh37 (hg19) VCF-style: chr14-91776332-T-C.
Identifiers: ClinVar variation 5004461 (VCV005004461.1).
Genomic context (GRCh38, chr14:91,309,988, plus strand): 5'-CTCAGCTTGTCCAGCTCACTGCTGAGCTGCTGGCTCTTCAGCTTCTCGAGCACCAGGTCC[T>C]GGAATGATGGGGAGAGAGCACTGGATAGGAGCTCAGCAAAACACGCAGGAAGGCCAGGCG-3'